The following is an entry in ClinVar:

ClinVar aggregate classification (germline): Pathogenic/Likely pathogenic. Review status: criteria provided, multiple submitters, no conflicts (2 of 4 stars). 11 submissions from 11 submitters: Pathogenic (8); Likely pathogenic (2). 1 of the submissions does not count toward it. Last evaluated 2026-06-02.

Conditions:
BBS10-related disorder. Also called: BBS10-related condition.
Bardet-Biedl syndrome (BBS). Identifiers: Orphanet 110, MedGen C0752166, MONDO:0015229.
Bardet-Biedl syndrome 10 (BBS10). Identifiers: Orphanet 110, MedGen C1859568, MONDO:0014438, OMIM 615987.

Submissions (11):

PreventionGenetics, part of Exact Sciences
Classification: Pathogenic for BBS10-related condition. Last evaluated: 2026-06-02. Review status: criteria provided, single submitter. Criteria: ACMG Guidelines, 2015. Collection method: clinical testing. Allele origin: germline.
Comment: The BBS10 c.2119_2120delGT variant is predicted to result in premature protein termination (p.Val707*). This variant has previously been reported in patients with Bardet-Biedl syndrome (Stoetzel et al. 2006. PubMed ID: 16582908; Scheidecker et al. 2015. PubMed ID: 25982971; Meyer et al. 2022. PubMed ID: 35112343). This variant is reported in 0.013% of alleles in individuals of European (Non-Finnish) descent in gnomAD. Nonsense variants in BBS10 are expected to be pathogenic. This variant is interpreted as pathogenic.

Natera, Inc.
Classification: Pathogenic for Bardet-Biedl syndrome type 10. Last evaluated: 2025-08-31. Review status: criteria provided, single submitter. Criteria: Natera Variant Classification Schema (03/2026). Collection method: clinical testing. Allele origin: germline.
Comment: The c.2119_2120delGT variant in BBS10 is a frameshift variant predicted to shift the reading frame and introduce a stop codon. This variant may result in a truncated or dysfunctional protein product. This variant is rare in the general population with a frequency below the threshold expected for the associated phenotype(s). This variant has been observed in one or more individuals affected with the associated recessive disease, as either homozygous or compound heterozygous with a second variant (PMID: 35112343, 35055178, 21209035). Given the available evidence, this variant is classified as Pathogenic.

Variantyx, Inc.
Classification: Pathogenic for Bardet-Biedl syndrome 10. Last evaluated: 2025-07-01. Review status: criteria provided, single submitter. Criteria: Variantyx Assertion Criteria 2022. Collection method: clinical testing. Allele origin: germline. Inheritance: Autosomal recessive inheritance. Affected: no.
Comment: This is a frameshift variant in the BBS10 gene (OMIM: 610148). Pathogenic variants in this gene have been associated with autosomal recessive Bardet-Biedl syndrome 10. This variant introduces a premature termination codon in exon 2 out of 2 and is expected to result in loss of function, which is a known disease mechanism for BBS10 in this disorder (PMID: 27486776) (PVS1). This variant has been reported in the homozygous or compound heterozygous state in at least one affected individual (PMID: 20472660, 27486776) (PM3). It has a 0.0186% maximum allele frequency in non-founder control populations (PM2). Based on the current evidence, this variant is classified as pathogenic for autosomal recessive Bardet-Biedl syndrome 10.

Revvity Omics, Revvity
Classification: Likely pathogenic for Bardet-Biedl syndrome 10. Last evaluated: 2025-04-11. Review status: criteria provided, single submitter. Criteria: ACMG Guidelines, 2015. Collection method: clinical testing. Allele origin: germline.

Labcorp Genetics (formerly Invitae), Labcorp
Classification: Pathogenic for Bardet-Biedl syndrome. Last evaluated: 2024-12-29. Review status: criteria provided, single submitter. Criteria: Invitae Variant Classification Sherloc (09022015). Collection method: clinical testing. Allele origin: germline.
Comment: This sequence change creates a premature translational stop signal (p.Val707*) in the BBS10 gene. While this is not anticipated to result in nonsense mediated decay, it is expected to disrupt the last 17 amino acid(s) of the BBS10 protein. This variant is present in population databases (rs775950661, gnomAD 0.01%). This premature translational stop signal has been observed in individual(s) with Bardet-Biedl syndrome (PMID: 20472660, 22773737, 25982971, 27486776). ClinVar contains an entry for this variant (Variation ID: 406221). For these reasons, this variant has been classified as Pathogenic.

Blueprint Genetics
Classification: Pathogenic for BBS10-related disorders. Last evaluated: 2024-04-10. Review status: criteria provided, single submitter. Criteria: ACMG Guidelines, 2015. Collection method: clinical testing. Allele origin: germline. Affected: yes. Observed: 5 variant alleles.

GeneDx
Classification: Pathogenic. Last evaluated: 2022-09-15. Review status: criteria provided, single submitter. Criteria: GeneDx Variant Classification Process June 2021. Collection method: clinical testing. Allele origin: germline. Affected: yes.
Comment: Nonsense variant in the C-terminus predicted to result in protein truncation, as the last 17 amino acids are lost, and other loss-of-function variants have been reported downstream in the Human Gene Mutation Database (HGMD); This variant is associated with the following publications: (PMID: 21157496, 31293383, 31963381, 16582908, 25982971, 30609409, 22773737, 27659767, 21209035, 27486776, 20472660, 34940782, 35112343)

Rady Children's Institute for Genomic Medicine, Rady Children's Hospital San Diego
Classification: Pathogenic for BARDET-BIEDL SYNDROME 10. Last evaluated: 2019-10-10. Review status: criteria provided, single submitter. Criteria: ACMG Guidelines, 2015. Collection method: clinical testing. Allele origin: germline. Affected: yes.
Comment: This frameshifting variant in exon 2 of 2 introduces a premature stop codon and is therefore predicted to result in loss of normal protein function. While this is not anticipated to result in nonsense mediated decay, it is expected to delete the last 17 amino acids of the BBS10 protein. This variant has been previously reported as a compound heterozygous or homozygous change in patients with Bardet-Biedl Syndrome 10 (PMID: 16582908, 25982971, 22773737, 27486776, 20472660). The ClinVar database contains an entry for this variant (Variation ID: 406221). It is present in the heterozygous state in the gnomAD population database at a frequency of 0.006% (17/282614) and thus is presumed to be rare. Based on the available evidence, the c.2119_2120del (p.Val707Ter) variant is classified as Pathogenic.

Laboratory for Molecular Medicine, Mass General Brigham Personalized Medicine
Classification: Likely pathogenic for Bardet-Biedl syndrome. Last evaluated: 2018-02-07. Review status: criteria provided, single submitter. Criteria: LMM Criteria. Collection method: clinical testing. Allele origin: germline. Inheritance: Autosomal recessive inheritance. Observed: 1 variant allele.
Comment: The p.Val707X (NM_024685.3 c.2119_2120delGT) variant in BBS10 has been previousl y reported in at least one compound heterozygous and one homozygous individual w ith Bardet-Biedl syndrome (BBS) (Stoetzel 2006, Scheidecker 2015, Lindstrand 201 6). This variant has also been reported in ClinVar (Variation ID#406221) as path ogenic. It has been identified in (15/126,508) of European chromosomes by the Ge nome Aggregation Database (gnomAD; dbSNP rs775 950661). Although this variant has been seen in the general population, its freq uency is low enough to be consistent with a recessive carrier frequency. This no nsense variant leads to a premature termination codon at position 707, which is predicted to lead to a truncated or absent protein. Biallelic loss of function o f the BBS10 gene has been associated with Bardet-Biedl syndrome (BBS). In summar y, although additional studies are required to fully establish its clinical sign ificance, the p.Val707X variant is likely pathogenic for Bardet-Biedl syndrome ( BBS) in an autosomal recessive manner based on a predicted truncating effect and its biallelic occurrence in individuals with this disease.

Women's Health and Genetics/Laboratory Corporation of America, LabCorp
Classification: Pathogenic for Bardet-Biedl syndrome. Last evaluated: 2017-08-22. Review status: criteria provided, single submitter. Criteria: LabCorp Variant Classification Summary - May 2015. Collection method: clinical testing. Allele origin: germline.
Comment: Variant summary: The BBS10 c.2119_2120delGT (p.Val707Terfs) variant results in a premature termination codon, predicted to cause a truncated or absent BBS10 protein due to nonsense mediated decay, which are commonly known mechanisms for disease. One in silico tool predicts a damaging outcome for this variant. This variant was found in 8/121352 control chromosomes at a frequency of 0.0000659, which does not exceed the estimated maximal expected allele frequency of a pathogenic BBS10 variant (0.0013363). This variant has been reported in multiple BBS patients. In addition, multiple clinical diagnostic laboratories/reputable databases classified this variant as pathogenic. Taken together, this variant is classified as pathogenic.

Counsyl
Classification: Pathogenic for Bardet-Biedl syndrome 10. Last evaluated: 2017-02-27. Review status: no assertion criteria provided. Collection method: clinical testing. Allele origin: unknown. Not counted in ClinVar's aggregate classification.

Literature cited by the submitters: PubMed 35112343 (cited by Natera, Inc.); PubMed 35055178 (cited by Natera, Inc.); PubMed 21209035 (cited by 3 submitters); PubMed 25982971 (cited by 3 submitters); PubMed 34940782 (cited by Variantyx, Inc.); PubMed 27486776 (cited by Variantyx, Inc. and Labcorp Genetics (formerly Invitae), Labcorp); PubMed 20472660 (cited by Labcorp Genetics (formerly Invitae), Labcorp); PubMed 22773737 (cited by Labcorp Genetics (formerly Invitae), Labcorp and Counsyl); PubMed 16582908 (cited by Women's Health and Genetics/Laboratory Corporation of America, LabCorp and Counsyl); PubMed 21157496 (cited by Women's Health and Genetics/Laboratory Corporation of America, LabCorp and Counsyl); PubMed 27659767 (cited by Counsyl).

NM_024685.4(BBS10):c.2119_2120del (p.Thr706_Val707insTer)

Gene: BBS10 (Bardet-Biedl syndrome 10; minus strand). Cytogenetic location: 12q21.2.
Variant type: Deletion.
Coding change: c.2119_2120del on transcript NM_024685.4 (MANE Select); coding-DNA positions 2119 to 2120, 2 bases deleted (GT; older notation c.2119_2120delGT).
Protein change: p.Thr706_Val707insTer.
Molecular consequence: nonsense.
Genome position (GRCh38, 1-based): chr12:76,345,865-76,345,866, AC deleted on the plus strand (GT on the coding strand, the reverse complement: BBS10 is on the minus strand); deleting any 2 consecutive bases within chr12:76,345,865-76,345,867 gives the same sequence; the c. name uses the placement nearest the transcript's 3' end. VCF-style (leftmost placement, unchanged base first): chr12-76345864-AAC-A. GRCh37 (hg19) VCF-style: chr12-76739644-AAC-A.
Other names: c.2119_2120del, p.Thr706_Val707insTer (LRG_1255t1); c.2119_2120del (NM_024685.3).
Identifiers: ClinVar variation 406221 (VCV000406221.31), dbSNP rs775950661, ClinGen allele CA6694048.